The following is an entry in ClinVar:

ClinVar aggregate classification (germline): Benign. Review status: criteria provided, multiple submitters, no conflicts (2 of 4 stars). 10 submissions from 10 submitters: Benign (8). 2 of the submissions do not count toward it. Last evaluated 2026-02-03.

Conditions:
Kabuki syndrome. Also called: NIIKAWA-KUROKI SYNDROME; Kabuki make-up syndrome. Identifiers: Orphanet 2322, MedGen C0796004, MONDO:0016512.

Allele frequency attached by ClinVar (database versions not stated): 1000 Genomes Project 30x 0.01655; 1000 Genomes Project 0.01737; TOPMed 0.02047; ESP Exome Variant Server 0.02391; gnomAD 0.02513; gnomAD exomes 0.02687 and 0.02902; ExAC 0.02729.
gnomAD v4.1: 46,144 of 1,613,796 alleles (2.9%); highest among the groups gnomAD compares: Non-Finnish European, 3.1%; 800 homozygotes.

Submissions (10):

Labcorp Genetics (formerly Invitae), Labcorp
Classification: Benign for Kabuki syndrome. Last evaluated: 2026-02-03. Review status: criteria provided, single submitter. Criteria: Invitae Variant Classification Sherloc (09022015). Collection method: clinical testing. Allele origin: germline.

Blueprint Genetics
Classification: Benign. Last evaluated: 2024-11-27. Review status: criteria provided, single submitter. Criteria: ACMG Guidelines, 2015. Collection method: clinical testing. Allele origin: germline.

Mayo Clinic Laboratories, Mayo Clinic
Classification: Benign. Last evaluated: 2023-12-14. Review status: criteria provided, single submitter. Criteria: ACMG Guidelines, 2015. Collection method: clinical testing. Allele origin: germline. Observed: 4 variant alleles.
Comment: BS1, BS2, BP4, BP7

GeneDx
Classification: Benign. Last evaluated: 2017-11-20. Review status: criteria provided, single submitter. Criteria: GeneDx Variant Classification (06012015). Collection method: clinical testing. Allele origin: germline. Affected: yes.
Comment: This variant is considered likely benign or benign based on one or more of the following criteria: it is a conservative change, it occurs at a poorly conserved position in the protein, it is predicted to be benign by multiple in silico algorithms, and/or has population frequency not consistent with disease.

Genetic Services Laboratory, University of Chicago
Classification: Benign. Last evaluated: 2013-02-08. Review status: criteria provided, single submitter. Criteria: ACMG Guidelines, 2007. Collection method: clinical testing. Allele origin: germline. Inheritance: Autosomal dominant inheritance.

Eurofins Ntd Llc (ga)
Classification: Benign. Last evaluated: 2012-07-06. Review status: criteria provided, single submitter. Criteria: EGL Classification Definitions 2015. Collection method: clinical testing. Allele origin: germline. Observed: 15 variant alleles, 15 heterozygotes.

Breakthrough Genomics
Classification: Benign. Review status: criteria provided, single submitter. Criteria: ACMG Guidelines, 2015. Collection method: not provided. Allele origin: germline. Inheritance: Autosomal dominant inheritance. Affected: yes.

PreventionGenetics, part of Exact Sciences
Classification: Benign. Review status: criteria provided, single submitter. Criteria: ACMG Guidelines, 2015. Collection method: clinical testing. Allele origin: germline.

Joint Genome Diagnostic Labs from Nijmegen and Maastricht, Radboudumc and MUMC+
Classification: Benign. Review status: no assertion criteria provided. Collection method: clinical testing. Allele origin: germline. Affected: yes. Study: VKGL Data-share Consensus. Not counted in ClinVar's aggregate classification.

Laboratory of Diagnostic Genome Analysis, Leiden University Medical Center (LUMC)
Classification: Likely benign. Review status: no assertion criteria provided. Collection method: clinical testing. Allele origin: germline. Affected: yes. Study: VKGL Data-share Consensus. Not counted in ClinVar's aggregate classification.

NM_003482.4(KMT2D):c.15978T>G (p.Leu5326=)

Gene: KMT2D (lysine methyltransferase 2D; minus strand). Cytogenetic location: 12q13.12.
Variant type: single nucleotide variant.
Coding change: c.15978T>G on transcript NM_003482.4 (MANE Select); coding-DNA position 15978, T replaced by G.
Protein change: p.Leu5326=; no amino-acid change (leucine 5326 retained).
Molecular consequence: synonymous variant.
Genome position (GRCh38, 1-based): chr12:49,024,652, A>C on the plus strand (T>G on the coding strand, the complement: KMT2D is on the minus strand). VCF-style: chr12-49024652-A-C. GRCh37 (hg19) VCF-style: chr12-49418435-A-C.
Other names: p.Leu5326=.
Identifiers: ClinVar variation 94189 (VCV000094189.27), dbSNP rs55776396, ClinGen allele CA147681.